The following is an entry in ClinVar:

NM_053025.4(MYLK):c.5003_5017dup (p.Glu1668_Asn1672dup)

Genes: MYLK-AS1 (MYLK antisense RNA 1; plus strand), MYLK (myosin light chain kinase; minus strand), LOC126806791 (MED14-independent group 3 enhancer GRCh37_chr3:123347871-123349070; plus strand). Cytogenetic location: 3q21.1.
Variant type: Duplication.
Coding change: c.5003_5017dup on transcript NM_053025.4 (MANE Select); coding-DNA positions 5003 to 5017, 15 bases duplicated (AAACCTTGGCCAACG).
Protein change: p.Glu1668_Asn1672dup.
Molecular consequence: inframe insertion. On other transcripts: non-coding transcript variant (2), intron variant (2).
Genome position (GRCh38, 1-based): chr3:123,629,571-123,629,585, CGTTGGCCAAGGTTT duplicated on the plus strand (AAACCTTGGCCAACG on the coding strand, the reverse complement: MYLK is on the minus strand); duplicating any 15 consecutive bases within chr3:123,629,571-123,629,589 gives the same sequence; the c. name uses the placement nearest the transcript's 3' end. VCF-style (leftmost placement, unchanged base first): chr3-123629570-A-ACGTTGGCCAAGGTTT. GRCh37 (hg19) VCF-style: chr3-123348417-A-ACGTTGGCCAAGGTTT.
Other names: c.4475_4489dup, p.Glu1492_Asn1496dup (NM_001321309.2); c.4796_4810dup, p.Glu1599_Asn1603dup (NM_053026.4); c.4755-2644_4755-2630dup (NM_053028.4); c.4962-2644_4962-2630dup (NM_053027.4).
Identifiers: ClinVar variation 539079 (VCV000539079.9), dbSNP rs1553774774, ClinGen allele CA658796364.

ClinVar aggregate classification (germline): Uncertain significance (1 of 4 stars; one submission).

Conditions:
Aortic aneurysm, familial thoracic 7 (AAT7). Also called: AORTIC DISSECTION, FAMILIAL, WITH OR WITHOUT AORTIC ANEURYSM. Identifiers: MedGen C3151077, MONDO:0013418, OMIM 613780.

Submission:

Labcorp Genetics (formerly Invitae), Labcorp
Classification: Uncertain significance for Aortic aneurysm, familial thoracic 7. Last evaluated: 2021-03-07. Review status: criteria provided, single submitter. Criteria: Invitae Variant Classification Sherloc (09022015). Collection method: clinical testing. Allele origin: germline.
Comment: This variant, c.5003_5017dup, results in the insertion of 5 amino acid(s) to the MYLK protein (p.Glu1668_Asn1672dup), but otherwise preserves the integrity of the reading frame. In summary, the available evidence is currently insufficient to determine the role of this variant in disease. Therefore, it has been classified as a Variant of Uncertain Significance. Experimental studies and prediction algorithms are not available or were not evaluated, and the functional significance of this variant is currently unknown. This variant has not been reported in the literature in individuals with MYLK-related conditions. ClinVar contains an entry for this variant (Variation ID: 539079). This variant is not present in population databases (ExAC no frequency).